The following is an entry in ClinVar:

NM_019892.6(INPP5E):c.139A>G (p.Ser47Gly)

Gene: INPP5E (inositol polyphosphate-5-phosphatase E; minus strand). Cytogenetic location: 9q34.3.
Variant type: single nucleotide variant.
Coding change: c.139A>G on transcript NM_019892.6 (MANE Select); coding-DNA position 139, A replaced by G.
Protein change: p.Ser47Gly; replaces serine 47 with glycine.
Molecular consequence: missense variant.
Genome position (GRCh38, 1-based): chr9:136,439,281, T>C on the plus strand (A>G on the coding strand, the complement: INPP5E is on the minus strand). VCF-style: chr9-136439281-T-C. GRCh37 (hg19) VCF-style: chr9-139333733-T-C.
Other names: c.139A>G, p.Ser47Gly (NM_001318502.2); short protein forms S47G.
Identifiers: ClinVar variation 2106182 (VCV002106182.4), dbSNP rs2538895663, ClinGen allele CA375571125.
Genomic context (GRCh38, chr9:136,439,281, plus strand): 5'-CTCGGGCTGGCGGGTCCTCGCCGCTGGGCGTGGCCGGAGTGCTGCAGGCAAGCGCGGGGC[T>C]CTCGGAGCCCGGAGCATCGGGTGGGGACCCCGCGCGCTGGGCCGGCGGAGCGCCGGGAAG-3'
Protein context (NP_063945.2, residues 37-57): GSPPDAPGSE[Ser47Gly]PALACSTPAT

ClinVar aggregate classification (germline): Uncertain significance (1 of 4 stars; one submission).

Conditions:
Joubert syndrome. Also called: CEREBELLOPARENCHYMAL DISORDER IV; JOUBERT-BOLTSHAUSER SYNDROME; Familial aplasia of the vermis. Identifiers: Orphanet 475, MedGen C5979921, MONDO:0018772.

gnomAD v4.1: 2 of 1,452,084 alleles (0.00014%); highest among the groups gnomAD compares: Non-Finnish European, 0.00018%; no homozygotes.

Submission:

Labcorp Genetics (formerly Invitae), Labcorp
Classification: Uncertain significance for Joubert syndrome. Last evaluated: 2022-03-15. Review status: criteria provided, single submitter. Criteria: Invitae Variant Classification Sherloc (09022015). Collection method: clinical testing. Allele origin: germline.
Comment: In summary, the available evidence is currently insufficient to determine the role of this variant in disease. Therefore, it has been classified as a Variant of Uncertain Significance. Advanced modeling of protein sequence and biophysical properties (such as structural, functional, and spatial information, amino acid conservation, physicochemical variation, residue mobility, and thermodynamic stability) performed at Invitae indicates that this missense variant is not expected to disrupt INPP5E protein function. This sequence change replaces serine, which is neutral and polar, with glycine, which is neutral and non-polar, at codon 47 of the INPP5E protein (p.Ser47Gly). This variant is not present in population databases (gnomAD no frequency). This variant has not been reported in the literature in individuals affected with INPP5E-related conditions.